The following is an entry in ClinVar:

ClinVar aggregate classification (germline): Uncertain significance (1 of 4 stars; one submission).

gnomAD v4.1: 2 of 1,613,858 alleles (0.00012%); highest among the groups gnomAD compares: Non-Finnish European, 0.00017%; no homozygotes.

Submission:

ARUP Laboratories, Molecular Genetics and Genomics, ARUP Laboratories
Classification: Uncertain significance. Last evaluated: 2018-02-22. Review status: criteria provided, single submitter. Criteria: ARUP Molecular Germline Variant Investigation Process. Collection method: clinical testing. Allele origin: germline.
Comment: The p.Ser429Arg variant (rs758181921) has not been reported in the medical literature, gene specific variation databases, nor has it been previously identified by our laboratory. This variant is listed in the Genome Aggregation Database (gnomAD) identified on 2 chromosomes out of 241,780. The serine at position 429 is moderately conserved considering 13 species (Alamut v2.10) and computational analyses of the effects of the p.Ser429Arg variant on protein structure and function provide conflicting results (SIFT: damaging, PolyPhen-2: benign). Altogether, there is not enough evidence to classify the p.Ser429Arg variant with certainty.

NM_000346.4(SOX9):c.1287C>A (p.Ser429Arg)

Gene: SOX9 (SRY-box transcription factor 9; plus strand). Cytogenetic location: 17q24.3.
Variant type: single nucleotide variant.
Coding change: c.1287C>A on transcript NM_000346.4 (MANE Select); coding-DNA position 1287, C replaced by A.
Protein change: p.Ser429Arg; replaces serine 429 with arginine.
Molecular consequence: missense variant.
Genome position (GRCh38, 1-based): chr17:72,124,144, C>A. VCF-style: chr17-72124144-C-A. GRCh37 (hg19) VCF-style: chr17-70120285-C-A.
Other names: short protein forms S429R.
Identifiers: ClinVar variation 618380 (VCV000618380.9), dbSNP rs758181921, ClinGen allele CA8739136.